The following is an entry in ClinVar:

ClinVar aggregate classification (germline): Uncertain significance (1 of 4 stars; one submission).

Allele frequency attached by ClinVar (database versions not stated): gnomAD exomes below 0.00001; gnomAD 0.00001.

Submission:

GeneDx
Classification: Uncertain significance. Last evaluated: 2019-04-16. Review status: criteria provided, single submitter. Criteria: GeneDx Variant Classification Process June 2021. Collection method: clinical testing. Allele origin: germline. Affected: yes.
Comment: Not observed at a significant frequency in large population cohorts (Lek et al., 2016); In silico analysis, which includes protein predictors and evolutionary conservation, supports that this variant does not alter protein structure/function; Has not been previously published as pathogenic or benign to our knowledge

NM_001943.5(DSG2):c.1727A>G (p.Gln576Arg)

Gene: DSG2 (desmoglein 2; plus strand). Cytogenetic location: 18q12.1.
Variant type: single nucleotide variant.
Coding change: c.1727A>G on transcript NM_001943.5 (MANE Select); coding-DNA position 1727, A replaced by G.
Protein change: p.Gln576Arg; replaces glutamine 576 with arginine.
Molecular consequence: missense variant.
Genome position (GRCh38, 1-based): chr18:31,538,826, A>G. VCF-style: chr18-31538826-A-G. GRCh37 (hg19) VCF-style: chr18-29118789-A-G.
Other names: short protein forms Q576R.
Identifiers: ClinVar variation 1302680 (VCV001302680.2), dbSNP rs374071428, ClinGen allele CA402137268.